The following is an entry in ClinVar:

ClinVar aggregate classification (germline): Likely benign. Review status: criteria provided, single submitter (1 of 4 stars). 2 submissions from 2 submitters: Likely benign (1). 1 of the submissions does not count toward it. Last evaluated 2025-01-05.

Conditions:
Inborn genetic diseases. Identifiers: MedGen C0950123, MeSH D030342.
KDM1A-related disorder. Also called: KDM1A-related condition.

Submissions (2):

Ambry Genetics
Classification: Likely benign for Inborn genetic diseases. Last evaluated: 2025-01-05. Review status: criteria provided, single submitter. Criteria: Ambry Variant Classification Scheme 2023. Collection method: clinical testing. Allele origin: germline.

PreventionGenetics, part of Exact Sciences
Classification: Likely benign for KDM1A-related condition. Last evaluated: 2020-02-26. Review status: no assertion criteria provided. Collection method: clinical testing. Allele origin: germline. Not counted in ClinVar's aggregate classification.
Comment: This variant is classified as likely benign based on ACMG/AMP sequence variant interpretation guidelines (Richards et al. 2015 PMID: 25741868, with internal and published modifications).

NM_001009999.3(KDM1A):c.480T>A (p.Pro160=)

Gene: KDM1A (lysine demethylase 1A; plus strand). Cytogenetic location: 1p36.12.
Variant type: single nucleotide variant.
Coding change: c.480T>A on transcript NM_001009999.3 (MANE Select); coding-DNA position 480, T replaced by A.
Protein change: p.Pro160=; no amino-acid change (proline 160 retained).
Molecular consequence: synonymous variant.
Genome position (GRCh38, 1-based): chr1:23,030,597, T>A. VCF-style: chr1-23030597-T-A. GRCh37 (hg19) VCF-style: chr1-23357090-T-A.
Other names: c.480T>A, p.Pro160= (NM_001363654.2, NM_001410762.1, NM_001410763.1 and 1 more transcripts).
Identifiers: ClinVar variation 3041271 (VCV003041271.3), dbSNP rs1569640419, ClinGen allele CA416591031.